The following is an entry in ClinVar:

NM_022356.4(P3H1):c.331G>C (p.Gly111Arg)

Gene: P3H1 (prolyl 3-hydroxylase 1; minus strand). Cytogenetic location: 1p34.2.
Variant type: single nucleotide variant.
Coding change: c.331G>C on transcript NM_022356.4 (MANE Select); coding-DNA position 331, G replaced by C.
Protein change: p.Gly111Arg; replaces glycine 111 with arginine.
Molecular consequence: missense variant.
Genome position (GRCh38, 1-based): chr1:42,766,641, C>G on the plus strand (G>C on the coding strand, the complement: P3H1 is on the minus strand). VCF-style: chr1-42766641-C-G. GRCh37 (hg19) VCF-style: chr1-43232312-C-G.
Other names: c.331G>C, p.Gly111Arg (NM_001146289.2, NM_001243246.2); short protein forms G111R.
Identifiers: ClinVar variation 581314 (VCV000581314.15), dbSNP rs1557580485, ClinGen allele CA339963649.
Genomic context (GRCh38, chr1:42,766,641, plus strand): 5'-AGTGGGCGGCCGGCGGCCCGAGGCAGCGGCGCAGGCAGGCAGCGCGACGCAGAAGGCCCC[C>G]GAAGAAGCTCAGGTCGCGCAGGGCGGCGGCGCCCGAGGCCTGGGCCGGGCTGGGGGACCA-3'
Protein context (NP_071751.3, residues 101-121): AAALRDLSFF[Gly111Arg]GLLRRAACLR

ClinVar aggregate classification (germline): Uncertain significance. Review status: criteria provided, multiple submitters, no conflicts (2 of 4 stars). 3 submissions from 3 submitters: Uncertain significance (3). Last evaluated 2023-04-11.

Conditions:
Osteogenesis imperfecta type 8 (OI8). Identifiers: MedGen C1970458, MONDO:0012581, OMIM 610915.

Allele frequency attached by ClinVar (database versions not stated): gnomAD exomes below 0.00001; TOPMed 0.00001.
gnomAD v4.1: 3 of 1,583,594 alleles (0.00019%); highest among the groups gnomAD compares: South Asian, 0.0011%; no homozygotes.

Submissions (3):

Genome-Nilou Lab
Classification: Uncertain significance for Osteogenesis imperfecta type 8. Last evaluated: 2023-04-11. Review status: criteria provided, single submitter. Criteria: ACMG Guidelines, 2015. Collection method: clinical testing. Allele origin: germline. Affected: no.

Labcorp Genetics (formerly Invitae), Labcorp
Classification: Uncertain significance for Osteogenesis imperfecta type 8. Last evaluated: 2022-08-09. Review status: criteria provided, single submitter. Criteria: Invitae Variant Classification Sherloc (09022015). Collection method: clinical testing. Allele origin: germline.
Comment: This sequence change replaces glycine, which is neutral and non-polar, with arginine, which is basic and polar, at codon 111 of the P3H1 protein (p.Gly111Arg). This variant is not present in population databases (gnomAD no frequency). This variant has not been reported in the literature in individuals affected with P3H1-related conditions. ClinVar contains an entry for this variant (Variation ID: 581314). Algorithms developed to predict the effect of missense changes on protein structure and function (SIFT, PolyPhen-2, Align-GVGD) all suggest that this variant is likely to be tolerated. In summary, the available evidence is currently insufficient to determine the role of this variant in disease. Therefore, it has been classified as a Variant of Uncertain Significance.

ARUP Laboratories, Molecular Genetics and Genomics, ARUP Laboratories
Classification: Uncertain significance for Osteogenesis imperfecta type 8. Last evaluated: 2019-05-03. Review status: criteria provided, single submitter. Criteria: ARUP Molecular Germline Variant Investigation Process. Collection method: clinical testing. Allele origin: germline.
Comment: The P3H1 c.331G>C; p.Gly111Arg variant, to our knowledge, is not reported in the medical literature but is reported in ClinVar (Variation ID: 581314). This variant is also absent from general population databases (Exome Variant Server, Genome Aggregation Database), indicating it is not a common polymorphism. The glycine at codon 111 is weakly conserved, and computational analyses (SIFT, PolyPhen-2) predict that this variant is tolerated. Due to limited information, the clinical significance of the p.Gly111Arg variant is uncertain at this time.